The following is an entry in ClinVar:

ClinVar aggregate classification (germline): Benign. Review status: criteria provided, single submitter (1 of 4 stars). 2 submissions from 2 submitters: Benign (1). 1 of the submissions does not count toward it. Last evaluated 2022-03-09.

Conditions:
TENM3-related disorder. Also called: TENM3-related condition.

Allele frequency attached by ClinVar (database versions not stated): TOPMed 0.00008; gnomAD 0.00009; ESP Exome Variant Server 0.00016; gnomAD exomes 0.00017; ExAC 0.00033; 1000 Genomes Project 0.00040; 1000 Genomes Project 30x 0.00047.
gnomAD v4.1: 254 of 1,613,592 alleles (0.016%); highest among the groups gnomAD compares: South Asian, 0.18%; 2 homozygotes.

Submissions (2):

Labcorp Genetics (formerly Invitae), Labcorp
Classification: Benign. Last evaluated: 2022-03-09. Review status: criteria provided, single submitter. Criteria: Invitae Variant Classification Sherloc (09022015). Collection method: clinical testing. Allele origin: germline.

PreventionGenetics, part of Exact Sciences
Classification: Likely benign for TENM3-related condition. Last evaluated: 2022-02-03. Review status: no assertion criteria provided. Collection method: clinical testing. Allele origin: germline. Not counted in ClinVar's aggregate classification.
Comment: This variant is classified as likely benign based on ACMG/AMP sequence variant interpretation guidelines (Richards et al. 2015 PMID: 25741868, with internal and published modifications).

NM_001080477.4(TENM3):c.5455G>A (p.Val1819Ile)

Gene: TENM3 (teneurin transmembrane protein 3; plus strand). Cytogenetic location: 4q35.1.
Variant type: single nucleotide variant.
Coding change: c.5455G>A on transcript NM_001080477.4 (MANE Select); coding-DNA position 5455, G replaced by A.
Protein change: p.Val1819Ile; replaces valine 1819 with isoleucine.
Molecular consequence: missense variant.
Genome position (GRCh38, 1-based): chr4:182,789,243, G>A. VCF-style: chr4-182789243-G-A. GRCh37 (hg19) VCF-style: chr4-183710396-G-A.
Other names: c.4687G>A, p.Val1563Ile (NM_001415960.1); c.4660G>A, p.Val1554Ile (NM_001415961.1); c.4657G>A, p.Val1553Ile (NM_001415962.1); c.4639G>A, p.Val1547Ile (NM_001415963.1); c.4636G>A, p.Val1546Ile (NM_001415964.1); c.5173G>A, p.Val1725Ile (NM_001415966.1); c.5197G>A, p.Val1733Ile (NM_001415967.1); c.5473G>A, p.Val1825Ile (NM_001415968.1); and 4 more; short protein forms V1546I, V1547I, V1553I, V1554I, V1563I, V1725I, V1726I, V1733I.
Identifiers: ClinVar variation 2420383 (VCV002420383.8), dbSNP rs370453419, ClinGen allele CA3148632.